The following is an entry in ClinVar:

NM_001267571.2(TBC1D2):c.89C>A (p.Pro30Gln)

Gene: TBC1D2 (TBC1 domain family member 2; minus strand). Cytogenetic location: 9q22.33.
Variant type: single nucleotide variant.
Coding change: c.89C>A on transcript NM_001267571.2 (MANE Select); coding-DNA position 89, C replaced by A.
Protein change: p.Pro30Gln; replaces proline 30 with glutamine.
Molecular consequence: missense variant. On other transcripts: non-coding transcript variant (1).
Genome position (GRCh38, 1-based): chr9:98,255,453, G>T on the plus strand (C>A on the coding strand, the complement: TBC1D2 is on the minus strand). VCF-style: chr9-98255453-G-T. GRCh37 (hg19) VCF-style: chr9-101017735-G-T.
Other names: c.89C>A, p.Pro30Gln (NM_001410988.1, NM_018421.4); short protein forms P30Q.
Identifiers: ClinVar variation 2596236 (VCV002596236.3), dbSNP rs150927921, ClinGen allele CA5152318.

ClinVar aggregate classification (germline): Uncertain significance (1 of 4 stars; one submission).

Allele frequency attached by ClinVar (database versions not stated): TOPMed 0.00006; ExAC 0.00007; gnomAD 0.00010; ESP Exome Variant Server 0.00015.
gnomAD v4.1: 207 of 1,599,592 alleles (0.013%); highest among the groups gnomAD compares: Non-Finnish European, 0.017%; no homozygotes.

Submission:

Ambry Genetics
Classification: Uncertain significance. Last evaluated: 2026-01-14. Review status: criteria provided, single submitter. Criteria: Ambry Variant Classification Scheme 2023. Collection method: clinical testing. Allele origin: germline.
Comment: The c.89C>A (p.P30Q) alteration is located in exon 1 (coding exon 1) of the TBC1D2 gene. This alteration results from a C to A substitution at nucleotide position 89, causing the proline (P) at amino acid position 30 to be replaced by a glutamine (Q). Based on data from gnomAD, the A allele has an overall frequency of 0.009% (22/236936) total alleles studied. The highest observed frequency was 0.021% (22/105912) of European (non-Finnish) alleles. Based on insufficient or conflicting evidence, the clinical significance of this alteration remains unclear.